The following is an entry in ClinVar:

ClinVar aggregate classification (germline): Uncertain significance (1 of 4 stars; one submission).

Conditions:
Tuberous sclerosis 1 (TSC1). Identifiers: Orphanet 805, MedGen C1854465, MONDO:0008612, OMIM 191100.

Submission:

Labcorp Genetics (formerly Invitae), Labcorp
Classification: Uncertain significance for Tuberous sclerosis 1. Last evaluated: 2021-11-16. Review status: criteria provided, single submitter. Criteria: Invitae Variant Classification Sherloc (09022015). Collection method: clinical testing. Allele origin: germline.
Comment: This variant is not present in population databases (gnomAD no frequency). This sequence change replaces threonine, which is neutral and polar, with arginine, which is basic and polar, at codon 592 of the TSC1 protein (p.Thr592Arg). In summary, the available evidence is currently insufficient to determine the role of this variant in disease. Therefore, it has been classified as a Variant of Uncertain Significance. Algorithms developed to predict the effect of missense changes on protein structure and function output the following: SIFT: "Tolerated"; PolyPhen-2: "Benign"; Align-GVGD: "Class C0". The arginine amino acid residue is found in multiple mammalian species, which suggests that this missense change does not adversely affect protein function. This variant has not been reported in the literature in individuals affected with TSC1-related conditions.

NM_000368.5(TSC1):c.1775C>G (p.Thr592Arg)

Gene: TSC1 (TSC complex subunit 1; minus strand). Cytogenetic location: 9q34.13.
Variant type: single nucleotide variant.
Coding change: c.1775C>G on transcript NM_000368.5 (MANE Select); coding-DNA position 1775, C replaced by G.
Protein change: p.Thr592Arg; replaces threonine 592 with arginine.
Molecular consequence: missense variant.
Genome position (GRCh38, 1-based): chr9:132,905,803, G>C on the plus strand (C>G on the coding strand, the complement: TSC1 is on the minus strand). VCF-style: chr9-132905803-G-C. GRCh37 (hg19) VCF-style: chr9-135781190-G-C.
Other names: c.1772C>G, p.Thr591Arg (NM_001162426.2); c.1622C>G, p.Thr541Arg (NM_001162427.2); c.1412C>G, p.Thr471Arg (NM_001362177.2); short protein forms T471R, T541R, T591R, T592R.
Identifiers: ClinVar variation 1379651 (VCV001379651.6), dbSNP rs775869914, ClinGen allele CA375363622.
Genomic context (GRCh38, chr9:132,905,803, plus strand): 5'-AATGCCACCTCAAAAAGATGATCATACGGGGGAGGCTGCCCGCTTCCAAAGCCCACTCTC[G>C]TCGGAGGTGGAATTTTACAAGGACTGGGAGTGAAGATACTGGTCTCCAAAGAAGTCTGGC-3'
Protein context (NP_000359.1, residues 582-602): TPSPCKIPPP[Thr592Arg]RVGFGSGQPP